The following is an entry in ClinVar:

ClinVar aggregate classification (germline): Likely benign. Review status: criteria provided, multiple submitters, no conflicts (2 of 4 stars). 2 submissions from 2 submitters: Likely benign (2). Last evaluated 2025-11-20.

Conditions:
Glycogen storage disease IXb (GSD9B). Also called: GLYCOGENOSIS OF LIVER AND MUSCLE, AUTOSOMAL RECESSIVE; GSD IXb; PHOSPHORYLASE KINASE DEFICIENCY OF LIVER AND MUSCLE, AUTOSOMAL RECESSIVE. Identifiers: Orphanet 79240, MedGen C0543514, MONDO:0009868, OMIM 261750.
PHKB-related disorder. Also called: PHKB-related condition.

Allele frequency attached by ClinVar (database versions not stated): TOPMed 0.00001.
gnomAD v4.1: 1 of 1,612,396 alleles (0.000062%); no homozygotes.

Submissions (2):

PreventionGenetics, part of Exact Sciences
Classification: Likely benign for PHKB-related condition. Last evaluated: 2025-11-20. Review status: criteria provided, single submitter. Criteria: ACMG Guidelines, 2015. Collection method: clinical testing. Allele origin: germline.
Comment: This variant is classified as likely benign based on ACMG/AMP sequence variant interpretation guidelines (Richards et al. 2015 PMID: 25741868, with internal and published modifications).

Labcorp Genetics (formerly Invitae), Labcorp
Classification: Likely benign for Glycogen storage disease IXb. Last evaluated: 2024-06-29. Review status: criteria provided, single submitter. Criteria: Invitae Variant Classification Sherloc (09022015). Collection method: clinical testing. Allele origin: germline.

NM_000293.3(PHKB):c.24G>A (p.Thr8=)

Genes: PHKB (phosphorylase kinase regulatory subunit beta; plus strand), LOC130058947 (ATAC-STARR-seq lymphoblastoid silent region 7451; plus strand). Cytogenetic location: 16q12.1.
Variant type: single nucleotide variant.
Coding change: c.24G>A on transcript NM_000293.3 (MANE Select); coding-DNA position 24, G replaced by A.
Protein change: p.Thr8=; no amino-acid change (threonine 8 retained).
Molecular consequence: synonymous variant. On other transcripts: 5 prime UTR variant (1).
Genome position (GRCh38, 1-based): chr16:47,461,374, G>A. VCF-style: chr16-47461374-G-A. GRCh37 (hg19) VCF-style: chr16-47495285-G-A.
Other names: c.-110G>A (NM_001031835.3); c.24G>A, p.Thr8= (NM_001363837.1).
Identifiers: ClinVar variation 731639 (VCV000731639.6), dbSNP rs1597001219, ClinGen allele CA495359267.